The following is an entry in ClinVar:

ClinVar aggregate classification (germline): Uncertain significance. Review status: criteria provided, multiple submitters, no conflicts (2 of 4 stars). 4 submissions from 4 submitters: Uncertain significance (4). Last evaluated 2024-11-04.

Conditions:
Hyperkalemic periodic paralysis. Also called: Gamstorp disease; Familial hyperkalemic periodic paralysis. Identifiers: Orphanet 682, MedGen C0238357, MONDO:0008224, OMIM 170500, HP:0007215.

Allele frequency attached by ClinVar (database versions not stated): gnomAD 0.00005.
gnomAD v4.1: 47 of 1,613,662 alleles (0.0029%); highest among the groups gnomAD compares: Non-Finnish European, 0.0035%; no homozygotes.

Submissions (4):

Labcorp Genetics (formerly Invitae), Labcorp
Classification: Uncertain significance for Hyperkalemic periodic paralysis. Last evaluated: 2024-11-04. Review status: criteria provided, single submitter. Criteria: Invitae Variant Classification Sherloc (09022015). Collection method: clinical testing. Allele origin: germline.
Comment: This sequence change replaces valine, which is neutral and non-polar, with isoleucine, which is neutral and non-polar, at codon 662 of the SCN4A protein (p.Val662Ile). This variant is present in population databases (rs766975288, gnomAD 0.007%). This missense change has been observed in individual(s) with clinical features of autosomal dominant SCN4A-related conditions (internal data). ClinVar contains an entry for this variant (Variation ID: 1053551). Invitae Evidence Modeling of protein sequence and biophysical properties (such as structural, functional, and spatial information, amino acid conservation, physicochemical variation, residue mobility, and thermodynamic stability) indicates that this missense variant is not expected to disrupt SCN4A protein function with a negative predictive value of 95%. In summary, the available evidence is currently insufficient to determine the role of this variant in disease. Therefore, it has been classified as a Variant of Uncertain Significance.

CeGaT Center for Human Genetics Tuebingen
Classification: Uncertain significance. Last evaluated: 2023-11-01. Review status: criteria provided, single submitter. Criteria: CeGaT Center For Human Genetics Tuebingen Variant Classification Criteria Version 2. Collection method: clinical testing. Allele origin: germline. Affected: yes. Observed: 1 variant allele.
Comment: SCN4A: PP3

Mayo Clinic Laboratories, Mayo Clinic
Classification: Uncertain significance. Last evaluated: 2023-02-28. Review status: criteria provided, single submitter. Criteria: ACMG Guidelines, 2015. Collection method: clinical testing. Allele origin: germline. Observed: 1 variant allele.

Revvity Omics, Revvity
Classification: Uncertain significance. Last evaluated: 2019-11-27. Review status: criteria provided, single submitter. Criteria: ACMG Guidelines, 2015. Collection method: clinical testing. Allele origin: germline.

NM_000334.4(SCN4A):c.1984G>A (p.Val662Ile)

Gene: SCN4A (sodium voltage-gated channel alpha subunit 4; minus strand). Cytogenetic location: 17q23.3.
Variant type: single nucleotide variant.
Coding change: c.1984G>A on transcript NM_000334.4 (MANE Select); coding-DNA position 1984, G replaced by A.
Protein change: p.Val662Ile; replaces valine 662 with isoleucine.
Molecular consequence: missense variant.
Genome position (GRCh38, 1-based): chr17:63,959,300, C>T on the plus strand (G>A on the coding strand, the complement: SCN4A is on the minus strand). VCF-style: chr17-63959300-C-T. GRCh37 (hg19) VCF-style: chr17-62036660-C-T.
Other names: p.Val662Ile; short protein forms V662I.
Identifiers: ClinVar variation 1053551 (VCV001053551.32), dbSNP rs766975288, ClinGen allele CA8709694.